The following is an entry in ClinVar:

NM_006618.5(KDM5B):c.3842G>A (p.Arg1281Gln)

Gene: KDM5B (lysine demethylase 5B; minus strand). Cytogenetic location: 1q32.1.
Variant type: single nucleotide variant.
Coding change: c.3842G>A on transcript NM_006618.5 (MANE Select); coding-DNA position 3842, G replaced by A.
Protein change: p.Arg1281Gln; replaces arginine 1281 with glutamine.
Molecular consequence: missense variant.
Genome position (GRCh38, 1-based): chr1:202,733,468, C>T on the plus strand (G>A on the coding strand, the complement: KDM5B is on the minus strand). VCF-style: chr1-202733468-C-T. GRCh37 (hg19) VCF-style: chr1-202702596-C-T.
Other names: c.3950G>A, p.Arg1317Gln (NM_001314042.2); c.3707G>A, p.Arg1236Gln (NM_001347591.2); c.3827G>A, p.Arg1276Gln (NM_001399817.1); c.3842G>A (NM_006618.3); short protein forms R1236Q, R1276Q, R1281Q, R1317Q.
Identifiers: ClinVar variation 3033353 (VCV003033353.3), dbSNP rs756875507, ClinGen allele CA1334107.

ClinVar aggregate classification (germline): Uncertain significance. Review status: criteria provided, single submitter (1 of 4 stars). 2 submissions from 2 submitters: Uncertain significance (1). 1 of the submissions does not count toward it. Last evaluated 2024-11-24.

Conditions:
Inborn genetic diseases. Identifiers: MedGen C0950123, MeSH D030342.
KDM5B-related disorder. Also called: KDM5B-related condition.

Allele frequency attached by ClinVar (database versions not stated): gnomAD 0.00002; gnomAD exomes 0.00002; TOPMed 0.00003.
gnomAD v4.1: 31 of 1,614,008 alleles (0.0019%); highest among the groups gnomAD compares: South Asian, 0.019%; 1 homozygote.

Submissions (2):

Ambry Genetics
Classification: Uncertain significance for Inborn genetic diseases. Last evaluated: 2024-11-24. Review status: criteria provided, single submitter. Criteria: Ambry Variant Classification Scheme 2023. Collection method: clinical testing. Allele origin: germline.

PreventionGenetics, part of Exact Sciences
Classification: Uncertain significance for KDM5B-related condition. Last evaluated: 2024-07-09. Review status: no assertion criteria provided. Collection method: clinical testing. Allele origin: germline. Not counted in ClinVar's aggregate classification.
Comment: The KDM5B c.3842G>A variant is predicted to result in the amino acid substitution p.Arg1281Gln. To our knowledge, this variant has not been reported in the literature. This variant is reported in 0.0098% of alleles in individuals of South Asian descent in gnomAD. At this time, the clinical significance of this variant is uncertain due to the absence of conclusive functional and genetic evidence.